The following is an entry in ClinVar:

NM_000428.3(LTBP2):c.3908-3C>T

Gene: LTBP2 (latent transforming growth factor beta binding protein 2; minus strand). Cytogenetic location: 14q24.3.
Variant type: single nucleotide variant.
Coding change: c.3908-3C>T on transcript NM_000428.3 (MANE Select); 3 bases into the intron before coding-DNA position 3908, C replaced by T.
Molecular consequence: intron variant.
Genome position (GRCh38, 1-based): chr14:74,506,826, G>A on the plus strand (C>T on the coding strand, the complement: LTBP2 is on the minus strand). VCF-style: chr14-74506826-G-A. GRCh37 (hg19) VCF-style: chr14-74973529-G-A.
Identifiers: ClinVar variation 2860959 (VCV002860959.3), dbSNP rs1264945178, ClinGen allele CA2625672435.

ClinVar aggregate classification (germline): Uncertain significance (1 of 4 stars; one submission).

gnomAD v4.1: 1 of 1,613,836 alleles (0.000062%); highest among the groups gnomAD compares: Non-Finnish European, 0.000085%; no homozygotes.

Submission:

Labcorp Genetics (formerly Invitae), Labcorp
Classification: Uncertain significance. Last evaluated: 2024-07-19. Review status: criteria provided, single submitter. Criteria: Invitae Variant Classification Sherloc (09022015). Collection method: clinical testing. Allele origin: germline.
Comment: This sequence change falls in intron 26 of the LTBP2 gene. It does not directly change the encoded amino acid sequence of the LTBP2 protein. It affects a nucleotide within the consensus splice site. This variant is not present in population databases (gnomAD no frequency). This variant has not been reported in the literature in individuals affected with LTBP2-related conditions. Variants that disrupt the consensus splice site are a relatively common cause of aberrant splicing (PMID: 17576681, 9536098). Algorithms developed to predict the effect of sequence changes on RNA splicing suggest that this variant is not likely to affect RNA splicing. In summary, the available evidence is currently insufficient to determine the role of this variant in disease. Therefore, it has been classified as a Variant of Uncertain Significance.

Literature cited by the submitters: PubMed 17576681; PubMed 9536098.